The following is an entry in ClinVar:

NM_052947.4(ALPK2):c.1937T>A (p.Val646Asp)

Gene: ALPK2 (alpha kinase 2; minus strand). Cytogenetic location: 18q21.31.
Variant type: single nucleotide variant.
Coding change: c.1937T>A on transcript NM_052947.4 (MANE Select); coding-DNA position 1937, T replaced by A.
Protein change: p.Val646Asp; replaces valine 646 with aspartic acid.
Molecular consequence: missense variant.
Genome position (GRCh38, 1-based): chr18:58,578,839, A>T on the plus strand (T>A on the coding strand, the complement: ALPK2 is on the minus strand). VCF-style: chr18-58578839-A-T. GRCh37 (hg19) VCF-style: chr18-56246071-A-T.
Other names: short protein forms V646D.
Identifiers: ClinVar variation 2624512 (VCV002624512.2), dbSNP rs2518898412, ClinGen allele CA402559404.
Genomic context (GRCh38, chr18:58,578,839, plus strand): 5'-TTTATCTCGTAATTTCTTTAAAAGAAAAGTCTTACCTGAGGAGGATCACTCCAGTCTGGA[A>T]CCTGGCTTGTTTCAAATAGAGTATTAACTTGCATGCCTTCTCCCTTGCAATTTGTGTTGC-3'
Protein context (NP_443179.3, residues 636-656): QVNTLFETSQ[Val646Asp]PDWSDPPQVQ

ClinVar aggregate classification (germline): Uncertain significance (1 of 4 stars; one submission).

gnomAD v4.1: 1 of 1,613,608 alleles (0.000062%); no homozygotes.

Submission:

Ambry Genetics
Classification: Uncertain significance. Last evaluated: 2023-09-01. Review status: criteria provided, single submitter. Criteria: Ambry Variant Classification Scheme 2023. Collection method: clinical testing. Allele origin: germline.
Comment: The p.V646D variant (also known as c.1937T>A), located in coding exon 3 of the ALPK2 gene, results from a T to A substitution at nucleotide position 1937. The valine at codon 646 is replaced by aspartic acid, an amino acid with highly dissimilar properties. This amino acid position is conserved. In addition, this alteration is predicted to be tolerated by in silico analysis. Since supporting evidence is limited at this time, the clinical significance of this alteration remains unclear.